The following is an entry in ClinVar:

ClinVar aggregate classification (germline): Pathogenic/Likely pathogenic. Review status: criteria provided, multiple submitters, no conflicts (2 of 4 stars). 2 submissions from 2 submitters: Pathogenic (1); Likely pathogenic (1). Last evaluated 2022-06-08.

Conditions:
Fanconi anemia (FA). Also called: Fanconi's anemia. Identifiers: Orphanet 84, MedGen C0015625, MeSH D005199, MONDO:0019391.
Fanconi anemia complementation group A (FANCA). Also called: FANCA-Related Fanconi Anemia; Fanconi anemia, group A. Identifiers: Orphanet 84, MedGen C3469521, MONDO:0009215, OMIM 227650.

gnomAD v4.1: 1 of 1,600,208 alleles (0.000062%); highest among the groups gnomAD compares: Non-Finnish European, 0.000086%; no homozygotes.

Submissions (2):

Baylor Genetics
Classification: Likely pathogenic for Fanconi anemia complementation group A. Last evaluated: 2022-06-08. Review status: criteria provided, single submitter. Criteria: ACMG Guidelines, 2015. Collection method: clinical testing. Allele origin: unknown.

Labcorp Genetics (formerly Invitae), Labcorp
Classification: Pathogenic for Fanconi anemia. Last evaluated: 2022-02-10. Review status: criteria provided, single submitter. Criteria: Invitae Variant Classification Sherloc (09022015). Collection method: clinical testing. Allele origin: germline.
Comment: For these reasons, this variant has been classified as Pathogenic. Algorithms developed to predict the effect of sequence changes on RNA splicing suggest that this variant may disrupt the consensus splice site. Disruption of this splice site has been observed in individual(s) with Fanconi anemia (Invitae). In at least one individual the data is consistent with being in trans (on the opposite chromosome) from a pathogenic variant. This variant is not present in population databases (gnomAD no frequency). This sequence change affects a donor splice site in intron 3 of the FANCA gene. It is expected to disrupt RNA splicing. Variants that disrupt the donor or acceptor splice site typically lead to a loss of protein function (PMID: 16199547), and loss-of-function variants in FANCA are known to be pathogenic (PMID: 19367192).

Literature cited by the submitters: PubMed 16199547 (cited by Labcorp Genetics (formerly Invitae), Labcorp); PubMed 19367192 (cited by Labcorp Genetics (formerly Invitae), Labcorp).

NM_000135.4(FANCA):c.283+1G>A

Gene: FANCA (FA complementation group A; minus strand). Cytogenetic location: 16q24.3.
Variant type: single nucleotide variant.
Coding change: c.283+1G>A on transcript NM_000135.4 (MANE Select); the canonical splice donor site of the intron after coding-DNA position 283, G replaced by A.
Molecular consequence: splice donor variant.
Genome position (GRCh38, 1-based): chr16:89,814,519, C>T on the plus strand (G>A on the coding strand, the complement: FANCA is on the minus strand). VCF-style: chr16-89814519-C-T. GRCh37 (hg19) VCF-style: chr16-89880927-C-T.
Other names: c.283+1G>A (NM_001286167.3, NM_001351830.2, NM_001018112.3).
Identifiers: ClinVar variation 1397477 (VCV001397477.9), dbSNP rs1232171121, ClinGen allele CA397482412.